The following is an entry in ClinVar:

ClinVar aggregate classification (germline): Benign/Likely benign. Review status: criteria provided, multiple submitters, no conflicts (2 of 4 stars). 3 submissions from 3 submitters: Benign (1); Likely benign (2). Last evaluated 2026-01-27.

Conditions:
Hereditary cancer-predisposing syndrome. Also called: Neoplastic Syndromes, Hereditary; Hereditary neoplastic syndrome; Hereditary Cancer Syndrome; Tumor predisposition. Identifiers: Orphanet 140162, MedGen C0027672, MeSH D009386, MONDO:0015356.
Ataxia-telangiectasia syndrome (AT). Also called: Ataxia-telangiectasia, complementation group D; Ataxia-telangiectasia, complementation group E; LOUIS-BAR SYNDROME; AT, COMPLEMENTATION GROUP C; ATAXIA-TELANGIECTASIA, COMPLEMENTATION GROUP A; ATAXIA-TELANGIECTASIA, FRESNO VARIANT. Identifiers: Orphanet 100, MedGen C0004135, MONDO:0008840, OMIM 208900.

Allele frequency attached by ClinVar (database versions not stated): ExAC 0.00003; 1000 Genomes Project 0.00040; gnomAD exomes 0.00015 and 0.00002; 1000 Genomes Project 30x 0.00031; TOPMed 0.00004; gnomAD 0.00004 and 0.00009.
gnomAD v4.1: 218 of 1,595,398 alleles (0.014%); highest among the groups gnomAD compares: East Asian, 0.48%; 2 homozygotes.

Submissions (3):

Labcorp Genetics (formerly Invitae), Labcorp
Classification: Likely benign for Ataxia-telangiectasia syndrome. Last evaluated: 2026-01-27. Review status: criteria provided, single submitter. Criteria: Invitae Variant Classification Sherloc (09022015). Collection method: clinical testing. Allele origin: germline.

Color Diagnostics, LLC DBA Color Health
Classification: Likely benign for Hereditary cancer-predisposing syndrome. Last evaluated: 2016-11-03. Review status: criteria provided, single submitter. Criteria: ACMG Guidelines, 2015. Collection method: clinical testing. Allele origin: germline.

GeneDx
Classification: Benign. Last evaluated: 2015-03-27. Review status: criteria provided, single submitter. Criteria: GeneDx Variant Classification (06012015). Collection method: clinical testing. Allele origin: germline. Affected: yes.
Comment: This variant is considered likely benign or benign based on one or more of the following criteria: it is a conservative change, it occurs at a poorly conserved position in the protein, it is predicted to be benign by multiple in silico algorithms, and/or has population frequency not consistent with disease.

NM_000051.4(ATM):c.8786+20G>C

Genes: ATM (ATM serine/threonine kinase; plus strand), C11orf65 (chromosome 11 open reading frame 65; minus strand). Cytogenetic location: 11q22.3.
Variant type: single nucleotide variant.
Coding change: c.8786+20G>C on transcript NM_000051.4 (MANE Select); 20 bases into the intron after coding-DNA position 8786, G replaced by C.
Molecular consequence: intron variant.
Genome position (GRCh38, 1-based): chr11:108,353,900, G>C. VCF-style: chr11-108353900-G-C. GRCh37 (hg19) VCF-style: chr11-108224627-G-C.
Other names: c.8786+20G>C (NM_001351834.2); c.640+32020C>G (NM_001330368.2); c.695-18608C>G (NM_001351110.2).
Identifiers: ClinVar variation 379249 (VCV000379249.11), dbSNP rs56283878, ClinGen allele CA6266442.